The following is an entry in ClinVar:

NM_030662.4(MAP2K2):c.-2_2dup (p.Met1fs)

Genes: MAP2K2 (mitogen-activated protein kinase kinase 2; minus strand), LOC130063193 (ATAC-STARR-seq lymphoblastoid silent region 9881; plus strand). Cytogenetic location: 19p13.3.
Variant type: Duplication.
Coding change: c.-2_2dup on transcript NM_030662.4 (MANE Select); 2 bases upstream of the start codon through coding-DNA position 2, 4 bases duplicated (CGAT; older notation c.-2_2dupCGAT).
Protein change: p.Met1fs; shifts the reading frame from methionine 1.
Molecular consequence: frameshift variant, initiator codon variant.
Genome position (GRCh38, 1-based): chr19:4,123,874-4,123,877, ATCG duplicated on the plus strand (CGAT on the coding strand, the reverse complement: MAP2K2 is on the minus strand). VCF-style (leftmost placement, unchanged base first): chr19-4123873-C-CATCG. GRCh37 (hg19) VCF-style: chr19-4123870-C-CATCG.
Other names: c.-2_2dup, p.Met1fs (NM_001440688.1); short protein forms M1fs.
Identifiers: ClinVar variation 4874551 (VCV004874551.2).

ClinVar aggregate classification (germline): Likely benign (1 of 4 stars; one submission).

Submission:

CeGaT Center for Human Genetics Tuebingen
Classification: Likely benign. Last evaluated: 2026-06-01. Review status: criteria provided, single submitter. Criteria: CeGaT Center For Human Genetics Tuebingen Variant Classification Criteria Version 2. Collection method: clinical testing. Allele origin: germline. Affected: yes. Observed: 2 variant alleles.
Comment: MAP2K2: PM2, BS2